The following is an entry in ClinVar:

NM_001429.4(EP300):c.4617+5G>A

Gene: EP300 (EP300 lysine acetyltransferase; plus strand). Cytogenetic location: 22q13.2.
Variant type: single nucleotide variant.
Coding change: c.4617+5G>A on transcript NM_001429.4 (MANE Select); 5 bases into the intron after coding-DNA position 4617, G replaced by A.
Molecular consequence: intron variant.
Genome position (GRCh38, 1-based): chr22:41,172,668, G>A. VCF-style: chr22-41172668-G-A. GRCh37 (hg19) VCF-style: chr22-41568672-G-A.
Other names: c.4539+5G>A (NM_001362843.2).
Identifiers: ClinVar variation 3377311 (VCV003377311.1).

ClinVar aggregate classification (germline): Uncertain significance (1 of 4 stars; one submission).

Conditions:
Rubinstein-Taybi syndrome due to EP300 haploinsufficiency. Also called: RUBINSTEIN-TAYBI SYNDROME 2; EP300-Related Rubinstein-Taybi Syndrome. Identifiers: Orphanet 353284, Orphanet 783, MedGen C3150941, MONDO:0013364, OMIM 613684.

Submission:

Victorian Clinical Genetics Services, Murdoch Childrens Research Institute
Classification: Uncertain significance for Rubinstein-Taybi syndrome due to EP300 haploinsufficiency. Last evaluated: 2024-10-10. Review status: criteria provided, single submitter. Criteria: ACMG Guidelines, 2015. Collection method: clinical testing. Allele origin: germline. Inheritance: Autosomal dominant inheritance. Affected: yes.
Comment: Based on the classification scheme VCGS_Germline_v1.3.5, this variant is classified as VUS-3C. Following criteria are met: 0102 - Loss of function is a known mechanism of disease in this gene and is associated with Rubinstein-Taybi syndrome 2 (RSTS; MIM#613684) and Menke-Hennekam syndrome 2 (MHS2; MIM#618333). Additionally, dominant negative is a suggested mechanism (PMIDs: 20301699, 24381114). Variants reported to cause RSTS are found throughout the protein, whereas of the few variants reported to cause MHS, all were located in exon 31 (PMID: 29460469). (I) 0107 - This gene is associated with autosomal dominant disease. (I) 0115 - Variants in this gene are known to have variable expressivity. Clinical features and developmental outcomes vary considerably between individuals with RSTS, with rare reports of pathogenic variants inherited from asymptomatic or mildly affected parents (PMID: 20301699). (I) 0212 - Non-canonical splice site variant without proven consequence on splicing (no functional evidence available). (SP) 0251 - This variant is heterozygous. (I) 0301 - Variant is absent from gnomAD (v2, v3 and v4). (SP) 0508 - In silico predictions for abnormal splicing are conflicting. (I) 0705 - No comparable splice site variants have previous evidence for pathogenicity. (I) 0807 - This variant has no previous evidence of pathogenicity. (I) 0905 - No published segregation evidence has been identified for this variant. (I) 1007 - No published functional evidence has been identified for this variant. (I) Legend: (SP) - Supporting pathogenic, (I) - Information, (SB) - Supporting benign

Literature cited by the submitters: PubMed 20301699; PubMed 24381114; PubMed 29460469.